The following is an entry in ClinVar:

NM_001347721.2(DYRK1A):c.986A>G (p.Tyr329Cys)

Gene: DYRK1A (dual specificity tyrosine phosphorylation regulated kinase 1A; plus strand). Cytogenetic location: 21q22.13.
Variant type: single nucleotide variant.
Coding change: c.986A>G on transcript NM_001347721.2 (MANE Select); coding-DNA position 986, A replaced by G.
Protein change: p.Tyr329Cys; replaces tyrosine 329 with cysteine.
Molecular consequence: missense variant.
Genome position (GRCh38, 1-based): chr21:37,493,078, A>G. VCF-style: chr21-37493078-A-G. GRCh37 (hg19) VCF-style: chr21-38865380-A-G.
Other names: c.986A>G, p.Tyr329Cys (NM_001347722.2, NM_130436.2); c.899A>G, p.Tyr300Cys (NM_001347723.2); c.1013A>G, p.Tyr338Cys (NM_001396.5, NM_101395.2, NM_130438.2); short protein forms Y300C, Y329C, Y338C.
Identifiers: ClinVar variation 2746312 (VCV002746312.3), dbSNP rs2518037799, ClinGen allele CA409936498.

ClinVar aggregate classification (germline): Uncertain significance (1 of 4 stars; one submission).

Conditions:
DYRK1A-related intellectual disability syndrome (MRD7). Also called: Intellectual developmental disorder, autosomal dominant 7; DYRK1A Syndrome. Identifiers: Orphanet 464306, MedGen C5568143, MONDO:0013578, OMIM 614104.

Submission:

Labcorp Genetics (formerly Invitae), Labcorp
Classification: Uncertain significance for DYRK1A-related intellectual disability syndrome. Last evaluated: 2023-07-25. Review status: criteria provided, single submitter. Criteria: Invitae Variant Classification Sherloc (09022015). Collection method: clinical testing. Allele origin: germline.
Comment: In summary, the available evidence is currently insufficient to determine the role of this variant in disease. Therefore, it has been classified as a Variant of Uncertain Significance. Advanced modeling of protein sequence and biophysical properties (such as structural, functional, and spatial information, amino acid conservation, physicochemical variation, residue mobility, and thermodynamic stability) performed at Invitae indicates that this missense variant is expected to disrupt DYRK1A protein function. This variant has not been reported in the literature in individuals affected with DYRK1A-related conditions. This variant is not present in population databases (gnomAD no frequency). This sequence change replaces tyrosine, which is neutral and polar, with cysteine, which is neutral and slightly polar, at codon 338 of the DYRK1A protein (p.Tyr338Cys).